The following is an entry in ClinVar:

ClinVar aggregate classification (germline): Conflicting classifications of pathogenicity. Review status: criteria provided, conflicting classifications (1 of 4 stars). 6 submissions from 6 submitters: Uncertain significance (5); Likely benign (1). Last evaluated 2025-08-22.

Conditions:
Gray platelet syndrome (GPS). Also called: BLEEDING DISORDER, PLATELET-TYPE, 4. Identifiers: Orphanet 721, MedGen C0272302, MONDO:0007686, OMIM 139090.
NBEAL2-related disorder. Also called: NBEAL2-related condition.

Allele frequency attached by ClinVar (database versions not stated): 1000 Genomes Project 30x 0.00078; 1000 Genomes Project 0.00080; ExAC 0.00089; gnomAD exomes 0.00098; gnomAD 0.00102 and 0.00105; ESP Exome Variant Server 0.00104; TOPMed 0.00119.
gnomAD v4.1: 2,546 of 1,613,774 alleles (0.16%); highest among the groups gnomAD compares: Middle Eastern, 0.21%; 2 homozygotes.

Submissions (6):

PreventionGenetics, part of Exact Sciences
Classification: Uncertain significance for NBEAL2-related condition. Last evaluated: 2025-08-22. Review status: criteria provided, single submitter. Criteria: ACMG Guidelines, 2015. Collection method: clinical testing. Allele origin: germline.
Comment: The NBEAL2 c.6023C>T variant is predicted to result in the amino acid substitution p.Thr2008Met. This variant was reported in an individual with keratoconus (Shinde. 2021. PubMed ID: 33729517). This variant is reported in 0.15% of alleles in individuals of European (Non-Finnish) descent in gnomAD, which may be too common to be a primary cause of disease. Although we suspect this variant may be benign, at this time, the clinical significance of this variant is uncertain due to the absence of conclusive functional and genetic evidence.

Mayo Clinic Laboratories, Mayo Clinic
Classification: Uncertain significance. Last evaluated: 2025-03-12. Review status: criteria provided, single submitter. Criteria: ACMG Guidelines, 2015. Collection method: clinical testing. Allele origin: germline. Observed: 1 variant allele.
Comment: BP4_moderate

Blueprint Genetics
Classification: Likely benign. Last evaluated: 2024-11-23. Review status: criteria provided, single submitter. Criteria: ACMG Guidelines, 2015. Collection method: clinical testing. Allele origin: germline.

Pittsburgh Clinical Genomics Laboratory, University of Pittsburgh Medical Center
Classification: Uncertain significance for Gray platelet syndrome. Last evaluated: 2023-02-17. Review status: criteria provided, single submitter. Criteria: ACMG Guidelines, 2015. Collection method: clinical testing. Allele origin: germline. Inheritance: Autosomal recessive inheritance. Affected: yes.
Comment: This sequence variant is a single nucleotide substitution (C>T) at coding position 6023 in the NBEAL2 gene which results in a threonine to methionine amino acid change at residue 2008 in the NBEAL2 protein. This is a previously reported variant (ClinVar) that has been observed in the literature in an individual with keratoconus (PMID: 33729517). This variant is present in 278/280496 alleles (0.1%) in the gnomAD population database. Multiple bioinformatic tools predict that this protein change is likely to be tolerated. Threonine is not highly conserved at this protein position in vertebrates. Functiol studies testing the effects of this variant have not been performed, to our knowledge. At this time, there is insufficient evidence to determine if this variant is pathogenic or benign. Therefore, we consider it to be a variant of uncertain significance. ACMG Criteria: BP4, PP1

Illumina Laboratory Services, Illumina
Classification: Uncertain significance for Gray platelet syndrome. Last evaluated: 2017-04-27. Review status: criteria provided, single submitter. Criteria: ICSL Variant Classification Criteria 13 December 2019. Collection method: clinical testing. Allele origin: germline.

Breakthrough Genomics
Classification: Uncertain significance. Review status: criteria provided, single submitter. Criteria: ACMG Guidelines, 2015. Collection method: not provided. Allele origin: germline. Inheritance: Autosomal recessive inheritance. Affected: yes.

Literature cited by the submitters: PubMed 33729517 (cited by Pittsburgh Clinical Genomics Laboratory, University of Pittsburgh Medical Center).

NM_015175.3(NBEAL2):c.6023C>T (p.Thr2008Met)

Gene: NBEAL2 (neurobeachin like 2; plus strand). Cytogenetic location: 3p21.31.
Variant type: single nucleotide variant.
Coding change: c.6023C>T on transcript NM_015175.3 (MANE Select); coding-DNA position 6023, C replaced by T.
Protein change: p.Thr2008Met; replaces threonine 2008 with methionine.
Molecular consequence: missense variant.
Genome position (GRCh38, 1-based): chr3:47,004,218, C>T. VCF-style: chr3-47004218-C-T. GRCh37 (hg19) VCF-style: chr3-47045708-C-T.
Other names: p.Thr2008Met; c.5921C>T, p.Thr1974Met (NM_001365116.2); short protein forms T1974M, T2008M.
Identifiers: ClinVar variation 903502 (VCV000903502.9), dbSNP rs201015564, ClinGen allele CA2361727.
Genomic context (GRCh38, chr3:47,004,218, plus strand): 5'-TTGAGCTCTTCTTTATCGATCAGGCCAACTACTTCCTCAACTTCCCATGCAAGGTGGGCA[C>T]GACCCCAGTCTCATCTCCTAGCCAGACTCCCAGACCCCAGCCTGGCCCCATCCCACCCCA-3'
Protein context (NP_055990.1, residues 1998-2018): YFLNFPCKVG[Thr2008Met]TPVSSPSQTP